The following is an entry in ClinVar:

ClinVar aggregate classification (germline): Uncertain significance (1 of 4 stars; one submission).

Conditions:
Alstrom syndrome (ALMS). Identifiers: Orphanet 64, MedGen C0268425, MONDO:0008763, OMIM 203800.

Submission:

Labcorp Genetics (formerly Invitae), Labcorp
Classification: Uncertain significance for Alstrom syndrome. Last evaluated: 2021-06-05. Review status: criteria provided, single submitter. Criteria: Invitae Variant Classification Sherloc (09022015). Collection method: clinical testing. Allele origin: germline.
Comment: This sequence change replaces lysine with asparagine at codon 4121 of the ALMS1 protein (p.Lys4121Asn). The lysine residue is moderately conserved and there is a moderate physicochemical difference between lysine and asparagine. This variant is not present in population databases (ExAC no frequency). This variant has not been reported in the literature in individuals with ALMS1-related conditions. Experimental studies and prediction algorithms are not available or were not evaluated, and the functional significance of this variant is currently unknown. In summary, the available evidence is currently insufficient to determine the role of this variant in disease. Therefore, it has been classified as a Variant of Uncertain Significance.

NM_001378454.1(ALMS1):c.12360A>T (p.Lys4120Asn)

Gene: ALMS1 (ALMS1 centrosome and basal body associated protein; plus strand). Cytogenetic location: 2p13.1.
Variant type: single nucleotide variant.
Coding change: c.12360A>T on transcript NM_001378454.1 (MANE Select); coding-DNA position 12360, A replaced by T.
Protein change: p.Lys4120Asn; replaces lysine 4120 with asparagine.
Molecular consequence: missense variant.
Genome position (GRCh38, 1-based): chr2:73,603,302, A>T. VCF-style: chr2-73603302-A-T. GRCh37 (hg19) VCF-style: chr2-73830429-A-T.
Other names: c.12363A>T, p.Lys4121Asn (NM_015120.4); short protein forms K4120N, K4121N.
Identifiers: ClinVar variation 1359179 (VCV001359179.6), dbSNP rs2104203046, ClinGen allele CA347271739.
Genomic context (GRCh38, chr2:73,603,302, plus strand): 5'-CTTCCTGGCTATCCAGAAGAACAAGCCTATCAGCAAGAAGGAAATGATTCAGAGGTCCAA[A>T]CGGTAAGACCAAGAAAACAAGAGTACGTATACAAGTGTAAACCAGGCCACCAAGTGGTCG-3'
Protein context (NP_001365383.1, residues 4110-4130): ISKKEMIQRS[Lys4120Asn]RIYEQLPEVQ